The following is an entry in ClinVar:

ClinVar aggregate classification (germline): Likely benign (0 of 4 stars; one submission).

Conditions:
OTOG-related disorder. Also called: OTOG-related condition.

gnomAD v4.1: 9 of 1,549,782 alleles (0.00058%); highest among the groups gnomAD compares: African/African-American, 0.011%; no homozygotes.

Submission:

PreventionGenetics, part of Exact Sciences
Classification: Likely benign for OTOG-related condition. Last evaluated: 2020-01-02. Review status: no assertion criteria provided. Collection method: clinical testing. Allele origin: germline.
Comment: This variant is classified as likely benign based on ACMG/AMP sequence variant interpretation guidelines (Richards et al. 2015 PMID: 25741868, with internal and published modifications).

NM_001292063.2(OTOG):c.6295C>A (p.Arg2099=)

Gene: OTOG (otogelin; plus strand). Cytogenetic location: 11p15.1.
Variant type: single nucleotide variant.
Coding change: c.6295C>A on transcript NM_001292063.2 (MANE Select); coding-DNA position 6295, C replaced by A.
Protein change: p.Arg2099=; no amino-acid change (arginine 2099 retained).
Molecular consequence: synonymous variant.
Genome position (GRCh38, 1-based): chr11:17,612,622, C>A. VCF-style: chr11-17612622-C-A. GRCh37 (hg19) VCF-style: chr11-17634169-C-A.
Other names: c.6331C>A, p.Arg2111= (NM_001277269.2).
Identifiers: ClinVar variation 3037378 (VCV003037378.2), dbSNP rs752377628, ClinGen allele CA218478773.
Genomic context (GRCh38, chr11:17,612,622, plus strand): 5'-GGCGGCCTTGGTCTTGGAGGCATCCACCTATTCTTCTTGTGCCCTGCCCCTCCCCCAGGC[C>A]GGTGCTCAATCTTCCCTGACCTGAGCTTCGTGACCTTCGATGGGAGCCACGTAGCTCTGT-3'
Protein context (NP_001278992.1, residues 2089-2109): RCCPLWECAC[Arg2099=]CSIFPDLSFV